The following is an entry in ClinVar:

NM_002465.4(MYBPC1):c.1557C>A (p.Leu519=)

Gene: MYBPC1 (myosin binding protein C1; plus strand). Cytogenetic location: 12q23.2.
Variant type: single nucleotide variant.
Coding change: c.1557C>A on transcript NM_002465.4 (MANE Select); coding-DNA position 1557, C replaced by A.
Protein change: p.Leu519=; no amino-acid change (leucine 519 retained).
Molecular consequence: synonymous variant.
Genome position (GRCh38, 1-based): chr12:101,652,708, C>A. VCF-style: chr12-101652708-C-A. GRCh37 (hg19) VCF-style: chr12-102046486-C-A.
Other names: c.1482C>A, p.Leu494= (NM_001254718.3, NM_001254719.3, NM_206820.4 and 1 more transcripts); c.1446C>A, p.Leu482= (NM_001254720.3); c.1425C>A, p.Leu475= (NM_001254721.3, NM_001404676.1, NM_001404678.1); c.1404C>A, p.Leu468= (NM_001254722.3, NM_001404680.1); c.1443C>A, p.Leu481= (NM_001254723.3); c.1557C>A, p.Leu519= (NM_001404675.1, NM_206819.4); c.1347C>A, p.Leu449= (NM_001404677.1, NM_001404679.1, NM_001404681.1).
Identifiers: ClinVar variation 4991844 (VCV004991844.1).

ClinVar aggregate classification (germline): Likely benign (1 of 4 stars; one submission).

Conditions:
MYBPC1-related disorder. Also called: MYBPC1-related condition.

Submission:

PreventionGenetics, part of Exact Sciences
Classification: Likely benign for MYBPC1-related condition. Last evaluated: 2026-08-04. Review status: criteria provided, single submitter. Criteria: ACMG Guidelines, 2015. Collection method: clinical testing. Allele origin: germline.
Comment: This variant is classified as likely benign based on ACMG/AMP sequence variant interpretation guidelines (Richards et al. 2015 PMID: 25741868, with internal and published modifications).